The following is an entry in ClinVar:

ClinVar aggregate classification (germline): Benign/Likely benign. Review status: criteria provided, multiple submitters, no conflicts (2 of 4 stars). 4 submissions from 4 submitters: Benign (3); Likely benign (1). Last evaluated 2026-01-25.

Conditions:
Developmental and epileptic encephalopathy, 18 (DEE18). Also called: Early infantile epileptic encephalopathy 18. Identifiers: Orphanet 369894, MedGen C3809624, MONDO:0014201, OMIM 615476.

Allele frequency attached by ClinVar (database versions not stated): gnomAD exomes 0.00011 and 0.00026; ExAC 0.00030; 1000 Genomes Project 30x 0.00078; 1000 Genomes Project 0.00080; ESP Exome Variant Server 0.00112; gnomAD 0.00113 and 0.00120; TOPMed 0.00119.

Submissions (4):

Labcorp Genetics (formerly Invitae), Labcorp
Classification: Benign. Last evaluated: 2026-01-25. Review status: criteria provided, single submitter. Criteria: Invitae Variant Classification Sherloc (09022015). Collection method: clinical testing. Allele origin: germline.

Women's Health and Genetics/Laboratory Corporation of America, LabCorp
Classification: Benign. Last evaluated: 2025-10-29. Review status: criteria provided, single submitter. Criteria: LabCorp Variant Classification Summary - May 2015. Collection method: clinical testing. Allele origin: germline.
Comment: Variant summary: SZT2 c.9269+12delA alters a non-conserved nucleotide located at a position not widely known to affect splicing. Consensus agreement among computation tools predict no significant impact on normal splicing. However, these predictions have yet to be confirmed by functional studies. The variant allele was found at a frequency of 0.00026 in 250076 control chromosomes, predominantly at a frequency of 0.0035 within the African or African-American subpopulation in the gnomAD database. The observed variant frequency within African or African-American control individuals in the gnomAD database exceeds the estimated maximal expected allele frequency for disease-causing variants in SZT2. To our knowledge, no occurrence of c.9269+12delA in individuals affected with SZT2-related conditions and no experimental evidence demonstrating its impact on protein function have been reported. ClinVar contains an entry for this variant (Variation ID: 1658949). Based on the evidence outlined above, the variant was classified as benign.

ARUP Laboratories, Molecular Genetics and Genomics, ARUP Laboratories
Classification: Benign for Developmental and epileptic encephalopathy, 18. Last evaluated: 2025-03-13. Review status: criteria provided, single submitter. Criteria: ARUP Molecular Germline Variant Investigation Process 2024. Collection method: clinical testing. Allele origin: germline.

Blueprint Genetics
Classification: Likely benign. Last evaluated: 2024-06-04. Review status: criteria provided, single submitter. Criteria: ACMG Guidelines, 2015. Collection method: clinical testing. Allele origin: germline.

NM_001365999.1(SZT2):c.9440+12del

Gene: SZT2 (SZT2 subunit of KICSTOR complex; plus strand). Cytogenetic location: 1p34.2.
Variant type: Deletion.
Coding change: c.9440+12del on transcript NM_001365999.1 (MANE Select); 12 bases into the intron after coding-DNA position 9440, one base deleted (A; older notation c.9440+12delA).
Molecular consequence: intron variant.
Genome position (GRCh38, 1-based): chr1:43,447,710, A deleted. VCF-style (leftmost placement, unchanged base first): chr1-43447709-GA-G. GRCh37 (hg19) VCF-style: chr1-43913380-GA-G.
Other names: c.9269+12delA (NM_015284.4); c.9269+12del (NM_015284.4).
Identifiers: ClinVar variation 1658949 (VCV001658949.11), dbSNP rs550942414, ClinGen allele CA810902.